The following is an entry in ClinVar:

NM_000431.4(MVK):c.564G>A (p.Trp188Ter)

Gene: MVK (mevalonate kinase; plus strand). Cytogenetic location: 12q24.11.
Variant type: single nucleotide variant.
Coding change: c.564G>A on transcript NM_000431.4 (MANE Select); coding-DNA position 564, G replaced by A.
Protein change: p.Trp188Ter; replaces tryptophan 188 with a stop codon.
Molecular consequence: nonsense.
Genome position (GRCh38, 1-based): chr12:109,586,058, G>A. VCF-style: chr12-109586058-G-A. GRCh37 (hg19) VCF-style: chr12-110023863-G-A.
Other names: c.564G>A, p.Trp188Ter (NM_001114185.3); c.408G>A, p.Trp136Ter (NM_001301182.2); short protein forms W188*, W136*.
Identifiers: ClinVar variation 97597 (VCV000097597.35), dbSNP rs104895311, ClinGen allele CA149845.

ClinVar aggregate classification (germline): Pathogenic/Likely pathogenic. Review status: criteria provided, multiple submitters, no conflicts (2 of 4 stars). 11 submissions from 11 submitters: Pathogenic (9); Likely pathogenic (1). 1 of the submissions does not count toward it. Last evaluated 2026-05-04.

Conditions:
Deficiency of mevalonate kinase. Also called: Mevalonate kinase deficiency. Identifiers: Orphanet 309025, MedGen C0342731, MONDO:0017708.
Autoinflammatory syndrome. Identifiers: Orphanet 93665, MedGen C3890737, MONDO:0019751.
MVK-related disorder. Also called: MVK-related condition; MVK-related disorders. Identifiers: MedGen CN239294.
Porokeratosis 3, disseminated superficial actinic type (POROK3). Also called: POROKERATOSIS, DISSEMINATED SUPERFICIAL ACTINIC, 1; POROKERATOSIS 3, MULTIPLE TYPES; POROKERATOSIS 3, MIBELLI TYPE. Identifiers: MedGen C1867981, MONDO:0008293, OMIM 175900.
Mevalonic aciduria (MEVA). Identifiers: Orphanet 29, MedGen C1959626, MONDO:0012481, OMIM 610377.
Hyperimmunoglobulin D with periodic fever (HIDS). Also called: Hyperimmunoglobulinemia D with periodic fever; HYPERIMMUNOGLOBULINEMIA D AND PERIODIC FEVER SYNDROME; Hyperimmunoglobulinemia D. Identifiers: Orphanet 343, MedGen C0398691, MONDO:0009849, OMIM 260920.

Allele frequency attached by ClinVar (database versions not stated): TOPMed 0.00001; gnomAD 0.00001.

Submissions (11):

Victorian Clinical Genetics Services, Murdoch Childrens Research Institute
Classification: Pathogenic for Deficiency of mevalonate kinase. Last evaluated: 2026-05-04. Review status: criteria provided, single submitter. Criteria: ACMG Guidelines, 2015. Collection method: clinical testing. Allele origin: germline.
Comment: This variant is classified as Pathogenic. Evidence in support of pathogenic classification: Variant is predicted to cause nonsense-mediated decay (NMD) and loss of protein (premature termination codon is located at least 54 nucleotides upstream of the final exon-exon junction); Variant is present in gnomAD <0.01 for a recessive condition (v4: 13 heterozygote(s), 0 homozygote(s)); This variant has strong previous evidence of pathogenicity in unrelated individuals. This variant has been reported in two compound heterozygous individuals with hyperimmunoglobulinemia D and periodic fever syndrome (PMID: 12915839, 15188372, 25531204). This variant has been classified as pathogenic by multiple clinical laboratories in ClinVar; Other NMD-predicted variant(s) comparable to the one identified in this case have very strong previous evidence for pathogenicity (ClinVar). Additional information: This variant is heterozygous; This gene is associated with autosomal recessive disease; Loss of function is a known mechanism of disease in this gene and is associated with mevalonate kinase deficiency (MONDO:0017708); Variants in this gene are known to have variable expressivity. Intrafamilial variability has been reported (PMID: 32822427). In addition, this gene may be associated with a spectrum of disease, including severe perinatal presentations with hydrops (PMID: 27012807).

Labcorp Genetics (formerly Invitae), Labcorp
Classification: Pathogenic for Mevalonic aciduria; Hyperimmunoglobulin D with periodic fever; Porokeratosis 3, disseminated superficial actinic type. Last evaluated: 2025-11-30. Review status: criteria provided, single submitter. Criteria: Invitae Variant Classification Sherloc (09022015). Collection method: clinical testing. Allele origin: germline.
Comment: This sequence change creates a premature translational stop signal (p.Trp188*) in the MVK gene. It is expected to result in an absent or disrupted protein product. Loss-of-function variants in MVK are known to be pathogenic (PMID: 16835861, 17105862, 23834120). This variant is not present in population databases (gnomAD no frequency). This premature translational stop signal has been observed in individual(s) with mevalonate kinase deficiency (PMID: 15188372). ClinVar contains an entry for this variant (Variation ID: 97597). For these reasons, this variant has been classified as Pathogenic.

GeneDx
Classification: Pathogenic. Last evaluated: 2025-11-04. Review status: criteria provided, single submitter. Criteria: GeneDx Variant Classification Process June 2021. Collection method: clinical testing. Allele origin: germline. Affected: yes.
Comment: Nonsense variant predicted to result in protein truncation or nonsense mediated decay in a gene for which loss of function is a known mechanism of disease; Not observed at significant frequency in large population cohorts (gnomAD); This variant is associated with the following publications: (PMID: 39396498, 15188372, 25525159, 21727933, 16835861, 12915839, 31980526, 25531204)

Fulgent Genetics
Classification: Pathogenic for Porokeratosis 3, disseminated superficial actinic type; Hyperimmunoglobulin D with periodic fever; Mevalonic aciduria. Last evaluated: 2024-05-30. Review status: criteria provided, single submitter. Criteria: ACMG Guidelines, 2015. Collection method: clinical testing. Allele origin: germline.

Myriad Genetics, Inc.
Classification: Pathogenic for Deficiency of mevalonate kinase. Last evaluated: 2024-04-24. Review status: criteria provided, single submitter. Criteria: Myriad Autosomal Dominant, Autosomal Recessive and X-Linked Classification Criteria (2023). Collection method: clinical testing. Allele origin: unknown.
Comment: NM_000431.2(MVK):c.564G>A(W188*) is expected to be pathogenic in the context of mevalonate kinase deficiency. This variant is predicted to lead to an abnormal or absent protein product due to the creation of a premature termination codon in MVK, a gene where loss-of-function variants are known to be pathogenic. Please note: this variant was assessed in the context of healthy population screening.

Blueprint Genetics
Classification: Likely pathogenic for MVK-related disorders. Last evaluated: 2022-08-29. Review status: criteria provided, single submitter. Criteria: ACMG Guidelines, 2015. Collection method: clinical testing. Allele origin: germline. Affected: yes. Observed: 1 variant allele.

ARUP Laboratories, Molecular Genetics and Genomics, ARUP Laboratories
Classification: Pathogenic. Last evaluated: 2021-02-11. Review status: criteria provided, single submitter. Criteria: ARUP Molecular Germline Variant Investigation Process 2021. Collection method: clinical testing. Allele origin: germline.
Comment: The MVK p.Trp188Ter variant (rs104895311), has been previously reported in an individual included in a hyperimmunoglobulinemia D cohort who also carried the pathogenic p.Val377Ile variant (Stojanov 2004). This variant introduces a stop codon in exon 6 of 11, and is expected to result in a truncated or absent protein product. This variant is absent from general population databases (1000 Genomes Project, Exome Variant Server, and Genome Aggregation Database), indicating it is not a common polymorphism. Based on the available information, this variant is considered pathogenic. References: Stojanov et al. Molecular analysis of the MVK and TNFRSF1A genes in patients with a clinical presentation typical of the hyperimmunoglobulinemia D with periodic fever syndrome: a low-penetrance TNFRSF1A variant in a heterozygous MVK carrier possibly influences the phenotype of hyperimmunoglobulinemia D with periodic fever syndrome or vice versa. Arthritis Rheum. 2004 Jun;50(6):1951-8.

Revvity Omics, Revvity
Classification: Pathogenic. Last evaluated: 2020-11-12. Review status: criteria provided, single submitter. Criteria: ACMG Guidelines, 2015. Collection method: clinical testing. Allele origin: germline.

Genome Diagnostics Laboratory, The Hospital for Sick Children
Classification: Pathogenic for Autoinflammatory syndrome. Last evaluated: 2019-07-01. Review status: criteria provided, single submitter. Criteria: ACMG Guidelines, 2015. Collection method: clinical testing. Allele origin: germline. Affected: yes.

Eurofins Ntd Llc (ga)
Classification: Pathogenic. Last evaluated: 2016-03-07. Review status: criteria provided, single submitter. Criteria: EGL Classification Definitions 2015. Collection method: clinical testing. Allele origin: germline. Observed: 2 variant alleles, 2 heterozygotes.

Unité médicale des maladies autoinflammatoires, CHRU Montpellier
No classification provided. Condition: Hyperimmunoglobulin D with periodic fever. Review status: no classification provided. Collection method: not provided. Allele origin: unknown. Not counted in ClinVar's aggregate classification.
Comment: also involved in OMIM 25117

Literature cited by the submitters: PubMed 32822427 (cited by Victorian Clinical Genetics Services, Murdoch Childrens Research Institute); PubMed 27012807 (cited by Victorian Clinical Genetics Services, Murdoch Childrens Research Institute); PubMed 12915839 (cited by Victorian Clinical Genetics Services, Murdoch Childrens Research Institute); PubMed 15188372 (cited by Victorian Clinical Genetics Services, Murdoch Childrens Research Institute and Labcorp Genetics (formerly Invitae), Labcorp); PubMed 25531204 (cited by Victorian Clinical Genetics Services, Murdoch Childrens Research Institute); PubMed 16835861 (cited by Labcorp Genetics (formerly Invitae), Labcorp); PubMed 17105862 (cited by Labcorp Genetics (formerly Invitae), Labcorp); PubMed 23834120 (cited by Labcorp Genetics (formerly Invitae), Labcorp).